The following is an entry in ClinVar:

ClinVar aggregate classification (germline): Benign/Likely benign. Review status: criteria provided, multiple submitters, no conflicts (2 of 4 stars). 6 submissions from 6 submitters: Benign (5); Likely benign (1). Last evaluated 2026-02-04.

Conditions:
Primary ciliary dyskinesia. Also called: Ciliary dyskinesia. Identifiers: Orphanet 244, MedGen C0008780, MONDO:0016575, HP:0012265.
Primary ciliary dyskinesia 6. Also called: Primary Ciliary Dyskinesia 6: TXNDC3-Related Primary Ciliary Dyskinesia. Identifiers: Orphanet 244, MedGen C1970506, MONDO:0012571, OMIM 610852.

Allele frequency attached by ClinVar (database versions not stated): 1000 Genomes Project 0.20647; 1000 Genomes Project 30x 0.20737; gnomAD 0.22667 and 0.22683; TOPMed 0.22858; ESP Exome Variant Server 0.22943; gnomAD exomes 0.23298 and 0.24195; ExAC 0.24098.
gnomAD v4.1: 374,766 of 1,613,196 alleles (23%); highest among the groups gnomAD compares: Admixed American, 26%; 44,033 homozygotes.

Submissions (6):

Labcorp Genetics (formerly Invitae), Labcorp
Classification: Benign for Primary ciliary dyskinesia 6. Last evaluated: 2026-02-04. Review status: criteria provided, single submitter. Criteria: Invitae Variant Classification Sherloc (09022015). Collection method: clinical testing. Allele origin: germline.

Blueprint Genetics
Classification: Likely benign. Last evaluated: 2024-11-27. Review status: criteria provided, single submitter. Criteria: ACMG Guidelines, 2015. Collection method: clinical testing. Allele origin: germline.

GeneDx
Classification: Benign. Last evaluated: 2018-11-12. Review status: criteria provided, single submitter. Criteria: GeneDx Variant Classification Process June 2021. Collection method: clinical testing. Allele origin: germline. Affected: yes.

Ambry Genetics
Classification: Benign for Primary ciliary dyskinesia. Last evaluated: 2014-12-01. Review status: criteria provided, single submitter. Criteria: Ambry Variant Classification Scheme 2023. Collection method: clinical testing. Allele origin: germline.

Laboratory for Molecular Medicine, Mass General Brigham Personalized Medicine
Classification: Benign. Last evaluated: 2013-02-21. Review status: criteria provided, single submitter. Criteria: LMM Criteria. Collection method: clinical testing. Allele origin: germline. Observed: 51 variant alleles.
Comment: Leu535Leu in exon 17 of TXNDC3: This variant is not expected to have clinical si gnificance because it does not alter an amino acid residue and is not located wi thin the splice consensus sequence. It has been identified in 24.2% (2077/8600) of European American chromosomes from a broad population by the NHLBI Exome Sequ encing Project (dbSNP rs3213975).

PreventionGenetics, part of Exact Sciences
Classification: Benign. Review status: criteria provided, single submitter. Criteria: ACMG Guidelines, 2015. Collection method: clinical testing. Allele origin: germline.

NM_016616.5(NME8):c.1603T>C (p.Leu535=)

Gene: NME8 (NME/NM23 family member 8; plus strand). Cytogenetic location: 7p14.1.
Variant type: single nucleotide variant.
Coding change: c.1603T>C on transcript NM_016616.5 (MANE Select); coding-DNA position 1603, T replaced by C.
Protein change: p.Leu535=; no amino-acid change (leucine 535 retained).
Molecular consequence: synonymous variant.
Genome position (GRCh38, 1-based): chr7:37,896,928, T>C. VCF-style: chr7-37896928-T-C. GRCh37 (hg19) VCF-style: chr7-37936530-T-C.
Identifiers: ClinVar variation 164806 (VCV000164806.20), dbSNP rs3213975, ClinGen allele CA177513.